The following is an entry in ClinVar:

NM_173477.5(USH1G):c.907C>T (p.His303Tyr)

Gene: USH1G (USH1 protein network component sans; minus strand). Cytogenetic location: 17q25.1.
Variant type: single nucleotide variant.
Coding change: c.907C>T on transcript NM_173477.5 (MANE Select); coding-DNA position 907, C replaced by T.
Protein change: p.His303Tyr; replaces histidine 303 with tyrosine.
Molecular consequence: missense variant.
Genome position (GRCh38, 1-based): chr17:74,919,929, G>A on the plus strand (C>T on the coding strand, the complement: USH1G is on the minus strand). VCF-style: chr17-74919929-G-A. GRCh37 (hg19) VCF-style: chr17-72916024-G-A.
Other names: c.598C>T, p.His200Tyr (NM_001282489.3); c.907C>T (NM_173477.2); short protein forms H200Y, H303Y.
Identifiers: ClinVar variation 1491322 (VCV001491322.4), dbSNP rs750635796, ClinGen allele CA8753975.

ClinVar aggregate classification (germline): Uncertain significance. Review status: criteria provided, multiple submitters, no conflicts (2 of 4 stars). 2 submissions from 2 submitters: Uncertain significance (2). Last evaluated 2025-06-18.

Conditions:
Inborn genetic diseases. Identifiers: MedGen C0950123, MeSH D030342.

Allele frequency attached by ClinVar (database versions not stated): gnomAD exomes below 0.00001 and 0.00001; ExAC 0.00001; gnomAD 0.00001.
gnomAD v4.1: 10 of 1,612,728 alleles (0.00062%); highest among the groups gnomAD compares: Admixed American, 0.005%; no homozygotes.

Submissions (2):

Ambry Genetics
Classification: Uncertain significance for Inborn genetic diseases. Last evaluated: 2025-06-18. Review status: criteria provided, single submitter. Criteria: Ambry Variant Classification Scheme 2023. Collection method: clinical testing. Allele origin: germline.

Labcorp Genetics (formerly Invitae), Labcorp
Classification: Uncertain significance. Last evaluated: 2022-08-02. Review status: criteria provided, single submitter. Criteria: Invitae Variant Classification Sherloc (09022015). Collection method: clinical testing. Allele origin: germline.
Comment: This sequence change replaces histidine, which is basic and polar, with tyrosine, which is neutral and polar, at codon 303 of the USH1G protein (p.His303Tyr). This variant is not present in population databases (gnomAD no frequency). This variant has not been reported in the literature in individuals affected with USH1G-related conditions. ClinVar contains an entry for this variant (Variation ID: 1491322). Algorithms developed to predict the effect of missense changes on protein structure and function are either unavailable or do not agree on the potential impact of this missense change (SIFT: "Not Available"; PolyPhen-2: "Possibly Damaging"; Align-GVGD: "Not Available"). In summary, the available evidence is currently insufficient to determine the role of this variant in disease. Therefore, it has been classified as a Variant of Uncertain Significance.